The following is an entry in ClinVar:

NM_000218.3(KCNQ1):c.1045T>C (p.Ser349Pro)

Gene: KCNQ1 (potassium voltage-gated channel subfamily Q member 1; plus strand). Cytogenetic location: 11p15.5.
Variant type: single nucleotide variant.
Coding change: c.1045T>C on transcript NM_000218.3 (MANE Select); coding-DNA position 1045, T replaced by C.
Protein change: p.Ser349Pro; replaces serine 349 with proline.
Molecular consequence: missense variant.
Genome position (GRCh38, 1-based): chr11:2,585,224, T>C. VCF-style: chr11-2585224-T-C. GRCh37 (hg19) VCF-style: chr11-2606454-T-C.
Other names: c.1045T>C (LRG_287t1); c.775T>C, p.Ser259Pro (NM_001406837.1); c.664T>C, p.Ser222Pro (NM_181798.2); short protein forms S349P, S222P, S259P.
Identifiers: ClinVar variation 52941 (VCV000052941.11), dbSNP rs199472764, ClinGen allele CA005070.
Genomic context (GRCh38, chr11:2,585,224, plus strand): 5'-CTGGCAGTGGCCTGTGTGGACGGGAGCCTCCTGTCCATTCCTTCCCAGGGGATTCTTGGC[T>C]CGGGGTTTGCCCTGAAGGTGCAGCAGAAGCAGAGGCAGAAGCACTTCAACCGGCAGATCC-3'
Protein context (NP_000209.2, residues 339-359): FFALPAGILG[Ser349Pro]GFALKVQQKQ

ClinVar aggregate classification (germline): Conflicting classifications of pathogenicity. Review status: criteria provided, conflicting classifications (1 of 4 stars). 4 submissions from 4 submitters: Likely pathogenic (2); Uncertain significance (1). 1 of the submissions does not count toward it. Last evaluated 2024-02-22.

Conditions:
KCNQ1-related disorder. Also called: KCNQ1-related condition; KCNQ1-related disorders. Identifiers: MedGen CN239322.
Familial long QT syndrome (RWS). Also called: Congenital long QT syndrome; Romano-Ward syndrome; VENTRICULAR FIBRILLATION WITH PROLONGED QT INTERVAL. Identifiers: Orphanet 768, MedGen C1141890, MONDO:0019171.
Long QT syndrome (LQTS). Identifiers: MedGen C0023976, MeSH D008133, MONDO:0002442. Disease mechanism: loss of function. Inheritance: Various modes of inheritance.

Submissions (4):

All of Us Research Program, National Institutes of Health
Classification: Uncertain significance for Long QT syndrome. Last evaluated: 2024-02-22. Review status: criteria provided, single submitter. Criteria: ACMG Guidelines, 2015. Collection method: clinical testing. Allele origin: germline. Inheritance: Autosomal dominant inheritance. Observed: 1 variant allele, 1 heterozygote.
Comment: This missense variant replaces serine with proline at codon 349 of the KCNQ1 protein. This variant is found within a highly conserved region in C-terminal cytoplasmic domain (a.a. 349-391). Rare non-truncating variants in this region have been shown to be significantly overrepresented in individuals with long QT syndrome (PMID: 32893267). Computational prediction suggests that this variant may have deleterious impact on protein structure and function (internally defined REVEL score threshold >= 0.7, PMID: 27666373). To our knowledge, functional studies have not been reported for this variant. This variant has been reported in an individual affected with long QT syndrome (PMID: 16414944). This variant has not been identified in the general population by the Genome Aggregation Database (gnomAD). A different missense variant occurring at the same codon, p.Ser349Trp, is known to be pathogenic (Clinvar variation ID 52942), indicating that serine at this position is important for KCNQ1 protein function. The available evidence is insufficient to determine the role of this variant in disease conclusively. Therefore, this variant is classified as a Variant of Uncertain Significance.

This study involves interpretation of variants in research participants for the purpose of population health screening. Participant phenotype was not available at the time of variant classification. Additional details can be found in publication PMID: 35346344, PMCID: PMC8962531

Labcorp Genetics (formerly Invitae), Labcorp
Classification: Likely pathogenic for Long QT syndrome. Last evaluated: 2021-05-29. Review status: criteria provided, single submitter. Criteria: Invitae Variant Classification Sherloc (09022015). Collection method: clinical testing. Allele origin: germline.
Comment: This variant has been reported in individuals affected with long QT syndrome (PMID: 16414944). ClinVar contains an entry for this variant (Variation ID: 52941). Algorithms developed to predict the effect of missense changes on protein structure and function (SIFT, PolyPhen-2, Align-GVGD) all suggest that this variant is likely to be disruptive, but these predictions have not been confirmed by published functional studies and their clinical significance is uncertain. A different missense substitution at this codon (p.Ser349Trp) has been determined to be pathogenic (PMID: 10973849, 20662986, 22539601). This suggests that the serine residue is critical for KCNQ1 protein function and that other missense substitutions at this position may also be pathogenic. In summary, the currently available evidence indicates that the variant is pathogenic, but additional data are needed to prove that conclusively. Therefore, this variant has been classified as Likely Pathogenic. This sequence change replaces serine with proline at codon 349 of the KCNQ1 protein (p.Ser349Pro). The serine residue is highly conserved and there is a moderate physicochemical difference between serine and proline. This variant is not present in population databases (ExAC no frequency).

Blueprint Genetics
Classification: Likely pathogenic for KCNQ1-related disorders. Last evaluated: 2019-12-02. Review status: criteria provided, single submitter. Criteria: ACMG Guidelines, 2015. Collection method: clinical testing. Allele origin: germline. Affected: yes. Observed: 1 variant allele.

Cardiovascular Biomedical Research Unit, Royal Brompton & Harefield NHS Foundation Trust
No classification provided. Condition: Familial long QT syndrome. Review status: no classification provided. Collection method: literature only. Allele origin: germline. Not counted in ClinVar's aggregate classification.
Comment: This variant has been reported as associated with Long QT syndrome in the following publications (PMID:16414944). This is a literature report, and does not necessarily reflect the clinical interpretation of the Imperial College / Royal Brompton Cardiovascular Genetics laboratory.

Literature cited by the submitters: PubMed 16414944 (cited by 3 submitters); PubMed 32893267 (cited by All of Us Research Program, National Institutes of Health); PubMed 10973849 (cited by Labcorp Genetics (formerly Invitae), Labcorp); PubMed 20662986 (cited by Labcorp Genetics (formerly Invitae), Labcorp); PubMed 22539601 (cited by Labcorp Genetics (formerly Invitae), Labcorp); PubMed 22581653 (cited by Cardiovascular Biomedical Research Unit, Royal Brompton & Harefield NHS Foundation Trust).